The following is an entry in ClinVar:

NM_018975.4(TERF2IP):c.157G>A (p.Val53Met)

Gene: TERF2IP (TERF2 interacting protein; plus strand). Cytogenetic location: 16q23.1.
Variant type: single nucleotide variant.
Coding change: c.157G>A on transcript NM_018975.4 (MANE Select); coding-DNA position 157, G replaced by A.
Protein change: p.Val53Met; replaces valine 53 with methionine.
Molecular consequence: missense variant. On other transcripts: non-coding transcript variant (1).
Genome position (GRCh38, 1-based): chr16:75,648,039, G>A. VCF-style: chr16-75648039-G-A. GRCh37 (hg19) VCF-style: chr16-75681937-G-A.
Other names: short protein forms V53M.
Identifiers: ClinVar variation 1775656 (VCV001775656.2), dbSNP rs778592091, ClinGen allele CA8177948.

ClinVar aggregate classification (germline): Uncertain significance (1 of 4 stars; one submission).

Allele frequency attached by ClinVar (database versions not stated): ExAC 0.00001.
gnomAD v4.1: 5 of 1,608,860 alleles (0.00031%); highest among the groups gnomAD compares: Non-Finnish European, 0.00034%; no homozygotes.

Submission:

Ambry Genetics
Classification: Uncertain significance. Last evaluated: 2022-05-28. Review status: criteria provided, single submitter. Criteria: Ambry Variant Classification Scheme 2023. Collection method: clinical testing. Allele origin: germline.
Comment: The p.V53M variant (also known as c.157G>A), located in coding exon 1 of the TERF2IP gene, results from a G to A substitution at nucleotide position 157. The valine at codon 53 is replaced by methionine, an amino acid with highly similar properties. This amino acid position is conserved. In addition, this alteration is predicted to be tolerated by in silico analysis. Since supporting evidence is limited at this time, the clinical significance of this alteration remains unclear.